The following is an entry in ClinVar:

ClinVar aggregate classification (germline): Likely benign (1 of 4 stars; one submission).

Conditions:
Pancytopenia due to IKZF1 mutations. Also called: Immunodeficiency, common variable, 13. Identifiers: Orphanet 317473, MedGen C4225173, MONDO:0014810, OMIM 616873.

Submission:

Centre for Medical Genetics,  Mumbai
Classification: Likely benign for Pancytopenia due to IKZF1 mutations. Last evaluated: 2026-05-13. Review status: criteria provided, single submitter. Criteria: ACMG Guidelines, 2015. Collection method: provider interpretation. Allele origin: germline. Inheritance: Autosomal dominant inheritance. Affected: no. Observed: 1 variant allele, 1 heterozygote.
Comment: The variant satisfies PM2 criteria - extremely low frequency in gnomAD population databases. The variant satisfies PP2 criteria - missense variant in a gene with low rate of benign missense mutations and for which missense mutation is a common mechanism of a disease. However, the variant satisfies BS2 criteria - present in heterozygous state in an individual that clinically does not have Immunodeficiency.

Literature cited by the submitters: PubMed 21548011.

NM_006060.6(IKZF1):c.1361C>G (p.Thr454Ser)

Gene: IKZF1 (IKAROS family zinc finger 1; plus strand). Cytogenetic location: 7p12.2.
Variant type: single nucleotide variant.
Coding change: c.1361C>G on transcript NM_006060.6 (MANE Select); coding-DNA position 1361, C replaced by G.
Protein change: p.Thr454Ser; replaces threonine 454 with serine.
Molecular consequence: missense variant.
Genome position (GRCh38, 1-based): chr7:50,400,428, C>G. VCF-style: chr7-50400428-C-G. GRCh37 (hg19) VCF-style: chr7-50468126-C-G.
Other names: c.1235C>G, p.Thr412Ser (NM_001220765.3, NM_001291837.2); c.1070C>G, p.Thr357Ser (NM_001220767.2); c.1100C>G, p.Thr367Ser (NM_001220768.2, NM_001291838.2); c.944C>G, p.Thr315Ser (NM_001220770.2); c.932C>G, p.Thr311Ser (NM_001220771.2, NM_001291841.1); c.974C>G, p.Thr325Ser (NM_001291839.2); c.671C>G, p.Thr224Ser (NM_001291840.1); c.902C>G, p.Thr301Ser (NM_001291842.1); and 3 more; short protein forms T224S, T259S, T269S, T301S, T311S, T315S, T325S, T357S.
Identifiers: ClinVar variation 4852317 (VCV004852317.1).